The following is an entry in ClinVar:

ClinVar aggregate classification (germline): Uncertain significance. Review status: criteria provided, multiple submitters, no conflicts (2 of 4 stars). 4 submissions from 4 submitters: Uncertain significance (3). 1 of the submissions does not count toward it. Last evaluated 2025-03-04.

Conditions:
Hb camperdown.

Allele frequency attached by ClinVar (database versions not stated): ExAC 0.00002.
gnomAD v4.1: 6 of 1,613,910 alleles (0.00037%); highest among the groups gnomAD compares: Non-Finnish European, 0.00051%; no homozygotes.

Submissions (4):

Women's Health and Genetics/Laboratory Corporation of America, LabCorp
Classification: Uncertain significance. Last evaluated: 2025-03-04. Review status: criteria provided, single submitter. Criteria: LabCorp Variant Classification Summary - May 2015. Collection method: clinical testing. Allele origin: germline.
Comment: Variant summary: HBB c.315G>C (p.Arg105Ser), also known as Hb Camperdown p.Arg104Ser, results in a non-conservative amino acid change in the encoded protein sequence. Five of five in-silico tools predict a damaging effect of the variant on protein function. Several computational tools predict a significant impact on normal splicing: Three predict the variant weakens a canonical 5' donor site. However, these predictions have yet to be confirmed by functional studies.The variant allele was found at a frequency of 1.2e-05 in 251348 control chromosomes. The available data on variant occurrences in the general population are insufficient to allow any conclusion about variant significance. c.315G>C has been reported in the literature in several heterozygous individuals with normal red blood cell indices (example: Wilkinson_1975, Blouquit_1984, Kister_1989, Wajcman_1992, Miranda_1996, Castelli_2004, Abuli_2016). The variant was also reported in at-least two compound heterozygous siblings with a beta+thalassemia trait in trans and the siblings' red blood cell indices were no more severe than that of a beta+thalassemia carrier (example: Blouquit_1984). These report(s) do not provide unequivocal conclusions about association of the variant with Beta Thalassemia. At least one publication reports experimental evidence evaluating an impact on protein function. Functional analysis of the variant showed abnormal parameters of normal oxygen affinity at pH 7.2, a decreased Bohr effect, and inhibition of the effects of chloride and organophosphates on oxygen affinity, indicative of disruption of the oxygen-linked binding of these anionic cofactors. However, red blood cell oxygen affinity was identical to normal red blood cells in physiological conditions of pH and anionic cofactors (example: Kister_1989), suggesting the variant has no clinical consequence. The following publications have been ascertained in the context of this evaluation (PMID: 26990548, 6526655, 15049942, 2606725, 8811319, 1511986, 1138922). ClinVar contains an entry for this variant (Variation ID: 15525). Based on the evidence outlined above, the variant was classified as uncertain significance.

ARUP Laboratories, Molecular Genetics and Genomics, ARUP Laboratories
Classification: Uncertain significance. Last evaluated: 2024-12-19. Review status: criteria provided, single submitter. Criteria: ARUP Molecular Germline Variant Investigation Process 2024. Collection method: clinical testing. Allele origin: germline.
Comment: The Hb Camperdown variant (HBB: c.315G>C; p.Arg105Ser, also known as Arg104Ser when numbered from the mature protein, rs33914944, HbVar ID: 471) has been reported in multiple individuals in a heterozygous state, with no associated clinical symptoms (Blouquit 1984, Castelli 2004, HbVar database and references therein, Miranda 1996, Zhao 1990). This variant is found in the non-Finnish European population with an allele frequency of 0.003% (3/113664 alleles) in the Genome Aggregation Database (v2.1.1). Functional characterization of the variant protein indicates slightly reduced stability and decreased Bohr effect, but has no significant impact on oxygen affinity (HbVar database and references therein). However, its phenotype when found with other globin variants is unknown. Computational analyses predict that this variant is deleterious (REVEL: 0.848). The variant is also located adjacent to the exon-intron boundary, but computational algorithms (Alamut Visual Plus v.1.11) predict a non-significant impact on splicing. Due to the limited clinical information regarding this variant, its significance could not be determined with certainty. References: Link to HbVar database: Blouquit Y et al. Seven new cases of hemoglobin Camperdown alpha 2 beta 2 104(G6)Arg----Ser found in Malta, Sicily and Tunisia. Hemoglobin. 1984;8(6):613-9. PMID: 6526655. Castelli R et al. Unreliable estimation of HbA due to the presence of Camperdown haemoglobin [beta 104 (G6) Arg --> Ser]. Diabet Med. 2004 Apr;21(4):377-9. PMID: 15049942. Miranda SR et al. Hb Camperdown [alpha 2 beta 2 104(G6)Arg-->Ser] identified by DNA analysis in a Brazilian family. Hemoglobin. 1996 May;20(2):147-53. PMID: 8811319. Zhao W et al. Hb Camperdown or alpha 2 beta 2(104)(G6)Arg----Ser in two Italian males. Hemoglobin. 1990;14(4):459-61. PMID: 2283301.

Quest Diagnostics Nichols Institute San Juan Capistrano
Classification: Uncertain significance. Last evaluated: 2023-10-12. Review status: criteria provided, single submitter. Criteria: Quest Diagnostics criteria. Collection method: clinical testing. Allele origin: unknown.

OMIM
Classification: Pathogenic for HB CAMPERDOWN. Last evaluated: 1996-05-01. Review status: no assertion criteria provided. Collection method: literature only. Allele origin: germline. Not counted in ClinVar's aggregate classification.

Literature cited by the submitters: PubMed 1511986 (cited by Women's Health and Genetics/Laboratory Corporation of America, LabCorp and Quest Diagnostics Nichols Institute San Juan Capistrano); PubMed 2606725 (cited by Women's Health and Genetics/Laboratory Corporation of America, LabCorp and Quest Diagnostics Nichols Institute San Juan Capistrano); PubMed 1138922 (cited by Women's Health and Genetics/Laboratory Corporation of America, LabCorp and Quest Diagnostics Nichols Institute San Juan Capistrano); PubMed 26990548 (cited by Women's Health and Genetics/Laboratory Corporation of America, LabCorp); PubMed 6526655 (cited by Women's Health and Genetics/Laboratory Corporation of America, LabCorp); PubMed 15049942 (cited by Women's Health and Genetics/Laboratory Corporation of America, LabCorp and Quest Diagnostics Nichols Institute San Juan Capistrano); PubMed 8811319 (cited by 3 submitters); PubMed 1814857 (cited by Quest Diagnostics Nichols Institute San Juan Capistrano); PubMed 2283301 (cited by Quest Diagnostics Nichols Institute San Juan Capistrano); PubMed 19429541 (cited by Quest Diagnostics Nichols Institute San Juan Capistrano); PubMed 22392582 (cited by Quest Diagnostics Nichols Institute San Juan Capistrano); PubMed 31553106 (cited by Quest Diagnostics Nichols Institute San Juan Capistrano).

NM_000518.5(HBB):c.315G>C (p.Arg105Ser)

Genes: HBB (hemoglobin subunit beta; minus strand), LOC106099062 (HBB recombination region; plus strand), LOC107133510 (origin of replication at HBB; plus strand), LOC110006319 (beta-globin gene 3' regulatory region; plus strand). Cytogenetic location: 11p15.4.
Variant type: single nucleotide variant.
Coding change: c.315G>C on transcript NM_000518.5 (MANE Select); coding-DNA position 315, G replaced by C.
Protein change: p.Arg105Ser; replaces arginine 105 with serine.
Molecular consequence: missense variant.
Genome position (GRCh38, 1-based): chr11:5,226,577, C>G on the plus strand (G>C on the coding strand, the complement: HBB is on the minus strand). VCF-style: chr11-5226577-C-G. GRCh37 (hg19) VCF-style: chr11-5247807-C-G.
Other names: R104S; short protein forms R105S.
Identifiers: ClinVar variation 15525 (VCV000015525.5), dbSNP rs33914944, ClinGen allele CA125395.